The following is an entry in ClinVar:

NM_001372044.2(SHANK3):c.3766C>A (p.Pro1256Thr)

Gene: SHANK3 (SH3 and multiple ankyrin repeat domains 3; plus strand). Cytogenetic location: 22q13.33.
Variant type: single nucleotide variant.
Coding change: c.3766C>A on transcript NM_001372044.2 (MANE Select); coding-DNA position 3766, C replaced by A.
Protein change: p.Pro1256Thr; replaces proline 1256 with threonine.
Molecular consequence: missense variant.
Genome position (GRCh38, 1-based): chr22:50,721,374, C>A. VCF-style: chr22-50721374-C-A. GRCh37 (hg19) VCF-style: chr22-51159802-C-A.
Other names: c.3541C>A (NM_033517.1); short protein forms P1256T.
Identifiers: ClinVar variation 1175427 (VCV001175427.8), dbSNP rs200188413, ClinGen allele CA10326062.
Genomic context (GRCh38, chr22:50,721,374, plus strand): 5'-TTCTCCCCACGGAGCCCAGCCTGGATTCCTGTGCCTGCTCGCAGGGAGGCAGAGAAGGTC[C>A]CCCGGGAGGAGCGGAAGTCACCCGAGGACAAGAAGTCCATGATCCTCAGCGTCCTGGACA-3'
Protein context (NP_001358973.1, residues 1246-1266): VPARREAEKV[Pro1256Thr]REERKSPEDK

ClinVar aggregate classification (germline): Conflicting classifications of pathogenicity. Review status: criteria provided, conflicting classifications (1 of 4 stars). 4 submissions from 4 submitters: Uncertain significance (1); Benign (1); Likely benign (1). 1 of the submissions does not count toward it. Last evaluated 2026-04-01.

Conditions:
SHANK3-related disorder. Also called: SHANK3-related condition.
Inborn genetic diseases. Identifiers: MedGen C0950123, MeSH D030342.

Allele frequency attached by ClinVar (database versions not stated): TOPMed 0.00032; 1000 Genomes Project 0.00040; 1000 Genomes Project 30x 0.00047.

Submissions (4):

CeGaT Center for Human Genetics Tuebingen
Classification: Uncertain significance. Last evaluated: 2026-04-01. Review status: criteria provided, single submitter. Criteria: CeGaT Center For Human Genetics Tuebingen Variant Classification Criteria Version 2. Collection method: clinical testing. Allele origin: germline. Affected: yes. Observed: 1 variant allele.

GeneDx
Classification: Benign. Last evaluated: 2021-04-18. Review status: criteria provided, single submitter. Criteria: GeneDx Variant Classification Process June 2021. Collection method: clinical testing. Allele origin: germline. Affected: yes.

Ambry Genetics
Classification: Likely benign for Inborn genetic diseases. Last evaluated: 2020-10-05. Review status: criteria provided, single submitter. Criteria: Ambry Variant Classification Scheme 2023. Collection method: clinical testing. Allele origin: germline.

PreventionGenetics, part of Exact Sciences
Classification: Likely benign for SHANK3-related condition. Last evaluated: 2023-03-31. Review status: no assertion criteria provided. Collection method: clinical testing. Allele origin: germline. Not counted in ClinVar's aggregate classification.
Comment: This variant is classified as likely benign based on ACMG/AMP sequence variant interpretation guidelines (Richards et al. 2015 PMID: 25741868, with internal and published modifications).